The following is an entry in ClinVar:

ClinVar aggregate classification (germline): Uncertain significance. Review status: criteria provided, multiple submitters, no conflicts (2 of 4 stars). 2 submissions from 2 submitters: Uncertain significance (2). Last evaluated 2022-09-12.

Conditions:
TH-deficient dopa-responsive dystonia. Also called: Tyrosine Hydroxylase-Deficient Dopa-Responsive Dystonia; Segawa syndrome, autosomal recessive; DYT-TH. Identifiers: Orphanet 101150, MedGen C2673535, MONDO:0011551, OMIM 605407.

Allele frequency attached by ClinVar (database versions not stated): TOPMed 0.00002; gnomAD exomes 0.00004 and 0.00002; gnomAD 0.00001; ExAC 0.00006; 1000 Genomes Project 0.00020; 1000 Genomes Project 30x 0.00031.
gnomAD v4.1: 36 of 1,612,458 alleles (0.0022%); highest among the groups gnomAD compares: Non-Finnish European, 0.0031%; no homozygotes.

Submissions (2):

Labcorp Genetics (formerly Invitae), Labcorp
Classification: Uncertain significance for TH-deficient dopa-responsive dystonia. Last evaluated: 2022-09-12. Review status: criteria provided, single submitter. Criteria: Invitae Variant Classification Sherloc (09022015). Collection method: clinical testing. Allele origin: germline.
Comment: This sequence change replaces glutamic acid, which is acidic and polar, with glycine, which is neutral and non-polar, at codon 415 of the TH protein (p.Glu415Gly). This variant is present in population databases (rs540601354, gnomAD 0.009%). This variant has not been reported in the literature in individuals affected with TH-related conditions. ClinVar contains an entry for this variant (Variation ID: 1497714). Advanced modeling of protein sequence and biophysical properties (such as structural, functional, and spatial information, amino acid conservation, physicochemical variation, residue mobility, and thermodynamic stability) has been performed at Invitae for this missense variant, however the output from this modeling did not meet the statistical confidence thresholds required to predict the impact of this variant on TH protein function. In summary, the available evidence is currently insufficient to determine the role of this variant in disease. Therefore, it has been classified as a Variant of Uncertain Significance.

Department of Pathology and Laboratory Medicine, Sinai Health System
Classification: Uncertain significance for TH-deficient dopa-responsive dystonia. Last evaluated: 2022-07-15. Review status: criteria provided, single submitter. Criteria: ACMG Guidelines, 2015. Collection method: research. Allele origin: germline.

NM_000360.4(TH):c.1151A>G (p.Glu384Gly)

Gene: TH (tyrosine hydroxylase; minus strand). Cytogenetic location: 11p15.5.
Variant type: single nucleotide variant.
Coding change: c.1151A>G on transcript NM_000360.4 (MANE Select); coding-DNA position 1151, A replaced by G.
Protein change: p.Glu384Gly; replaces glutamic acid 384 with glycine.
Molecular consequence: missense variant.
Genome position (GRCh38, 1-based): chr11:2,165,717, T>C on the plus strand (A>G on the coding strand, the complement: TH is on the minus strand). VCF-style: chr11-2165717-T-C. GRCh37 (hg19) VCF-style: chr11-2186947-T-C.
Other names: c.1244A>G, p.Glu415Gly (NM_199292.3); c.1232A>G, p.Glu411Gly (NM_199293.3); short protein forms E415G, E384G, E411G.
Identifiers: ClinVar variation 1497714 (VCV001497714.4), dbSNP rs540601354, ClinGen allele CA5818359.